The following is an entry in ClinVar:

ClinVar aggregate classification (germline): Uncertain significance. Review status: criteria provided, multiple submitters, no conflicts (2 of 4 stars). 2 submissions from 2 submitters: Uncertain significance (2). Last evaluated 2025-10-15.

Allele frequency attached by ClinVar (database versions not stated): gnomAD exomes below 0.00001.
gnomAD v4.1: 2 of 1,593,862 alleles (0.00013%); highest among the groups gnomAD compares: South Asian, 0.0011%; no homozygotes.

Submissions (2):

Ambry Genetics
Classification: Uncertain significance. Last evaluated: 2025-10-15. Review status: criteria provided, single submitter. Criteria: Ambry Variant Classification Scheme 2023. Collection method: clinical testing. Allele origin: germline.

Labcorp Genetics (formerly Invitae), Labcorp
Classification: Uncertain significance. Last evaluated: 2023-08-16. Review status: criteria provided, single submitter. Criteria: Invitae Variant Classification Sherloc (09022015). Collection method: clinical testing. Allele origin: germline.
Comment: In summary, the available evidence is currently insufficient to determine the role of this variant in disease. Therefore, it has been classified as a Variant of Uncertain Significance. An algorithm developed to predict the effect of missense changes on protein structure and function (PolyPhen-2) suggests that this variant is likely to be tolerated. This variant has not been reported in the literature in individuals affected with ERBB2-related conditions. This variant is not present in population databases (gnomAD no frequency). This sequence change replaces methionine, which is neutral and non-polar, with valine, which is neutral and non-polar, at codon 31 of the ERBB2 protein (p.Met31Val).

NM_004448.4(ERBB2):c.91A>G (p.Met31Val)

Gene: ERBB2 (erb-b2 receptor tyrosine kinase 2; plus strand). Cytogenetic location: 17q12.
Variant type: single nucleotide variant.
Coding change: c.91A>G on transcript NM_004448.4 (MANE Select); coding-DNA position 91, A replaced by G.
Protein change: p.Met31Val; replaces methionine 31 with valine.
Molecular consequence: missense variant. On other transcripts: initiator codon variant (4), non-coding transcript variant (1), intron variant (1).
Genome position (GRCh38, 1-based): chr17:39,707,007, A>G. VCF-style: chr17-39707007-A-G. GRCh37 (hg19) VCF-style: chr17-37863260-A-G.
Other names: c.91A>G, p.Met31Val (NM_001382790.1, NM_001382791.1, NM_001382788.1 and 20 more transcripts); c.1A>G, p.Met1Val (NM_001005862.3, NM_001289938.2, NM_001382782.1 and 1 more transcripts); c.74-4921A>G (NM_001382804.1); c.46A>G, p.Met16Val (NM_001289936.2); c.91A>G (NM_004448.2); short protein forms M16V, M1V, M31V.
Identifiers: ClinVar variation 2895522 (VCV002895522.4), dbSNP rs998740859, ClinGen allele CA399269991.